The following is an entry in ClinVar:

ClinVar aggregate classification (germline): Conflicting classifications of pathogenicity. Review status: criteria provided, conflicting classifications (1 of 4 stars). 4 submissions from 4 submitters: Uncertain significance (1); Likely benign (2). 1 of the submissions does not count toward it. Last evaluated 2025-02-16.

Conditions:
TH-deficient dopa-responsive dystonia. Also called: Tyrosine Hydroxylase-Deficient Dopa-Responsive Dystonia; DYT-TH; Segawa syndrome, autosomal recessive. Identifiers: Orphanet 101150, MedGen C2673535, MONDO:0011551, OMIM 605407.

Allele frequency attached by ClinVar (database versions not stated): gnomAD 0.00007 and 0.00008; gnomAD exomes 0.00007 and 0.00006; ExAC 0.00008; TOPMed 0.00005.

Submissions (4):

Laboratory of Genetics, Children's Clinical University Hospital Latvia
Classification: Likely benign. Last evaluated: 2025-02-16. Review status: criteria provided, single submitter. Criteria: ACMG Guidelines, 2015. Collection method: clinical testing. Allele origin: germline. Affected: yes.

Labcorp Genetics (formerly Invitae), Labcorp
Classification: Uncertain significance for TH-deficient dopa-responsive dystonia. Last evaluated: 2022-08-23. Review status: criteria provided, single submitter. Criteria: Invitae Variant Classification Sherloc (09022015). Collection method: clinical testing. Allele origin: germline.
Comment: This sequence change falls in intron 5 of the TH gene. It does not directly change the encoded amino acid sequence of the TH protein. It affects a nucleotide within the consensus splice site. This variant is present in population databases (rs775531779, gnomAD 0.01%). This variant has not been reported in the literature in individuals affected with TH-related conditions. ClinVar contains an entry for this variant (Variation ID: 651415). Variants that disrupt the consensus splice site are a relatively common cause of aberrant splicing (PMID: 17576681, 9536098). Algorithms developed to predict the effect of sequence changes on RNA splicing suggest that this variant is not likely to affect RNA splicing. In summary, the available evidence is currently insufficient to determine the role of this variant in disease. Therefore, it has been classified as a Variant of Uncertain Significance.

GeneDx
Classification: Likely benign. Last evaluated: 2020-08-24. Review status: criteria provided, single submitter. Criteria: GeneDx Variant Classification Process June 2021. Collection method: clinical testing. Allele origin: germline. Affected: yes.

Natera, Inc.
Classification: Uncertain significance for Autosomal recessive Segawa syndrome. Last evaluated: 2020-09-16. Review status: no assertion criteria provided. Collection method: clinical testing. Allele origin: germline. Not counted in ClinVar's aggregate classification.

Literature cited by the submitters: PubMed 17576681 (cited by Labcorp Genetics (formerly Invitae), Labcorp); PubMed 9536098 (cited by Labcorp Genetics (formerly Invitae), Labcorp).

NM_000360.4(TH):c.576+6_576+14del

Gene: TH (tyrosine hydroxylase; minus strand). Cytogenetic location: 11p15.5.
Variant type: Deletion.
Coding change: c.576+6_576+14del on transcript NM_000360.4 (MANE Select); bases 6 to 14 of the intron after coding-DNA position 576, 9 bases deleted (TGGTGCGCC; older notation c.576+6_576+14delTGGTGCGCC).
Molecular consequence: intron variant.
Genome position (GRCh38, 1-based): chr11:2,168,077-2,168,085, GGCGCACCA deleted on the plus strand (TGGTGCGCC on the coding strand, the reverse complement: TH is on the minus strand). VCF-style (leftmost placement, unchanged base first): chr11-2168076-GGGCGCACCA-G. GRCh37 (hg19) VCF-style: chr11-2189306-GGGCGCACCA-G.
Other names: c.657+6_657+14del (NM_199293.3); c.669+6_669+14del (NM_199292.3); c.669+6_669+14delTGGTGCGCC (NM_199292.3).
Identifiers: ClinVar variation 651415 (VCV000651415.8), dbSNP rs775531779, ClinGen allele CA5818603.